The following is an entry in ClinVar:

NM_006393.3(NEBL):c.1117-6T>G

Gene: NEBL (nebulette; minus strand). Cytogenetic location: 10p12.31.
Variant type: single nucleotide variant.
Coding change: c.1117-6T>G on transcript NM_006393.3 (MANE Select); 6 bases into the intron before coding-DNA position 1117, T replaced by G.
Molecular consequence: intron variant.
Genome position (GRCh38, 1-based): chr10:20,845,374, A>C on the plus strand (T>G on the coding strand, the complement: NEBL is on the minus strand). VCF-style: chr10-20845374-A-C. GRCh37 (hg19) VCF-style: chr10-21134303-A-C.
Other names: c.250-32434T>G (NM_001377326.1, NM_001377327.1, NM_001377328.1); c.358-32434T>G (NM_213569.2, NM_001173484.2, NM_001377322.1); c.301-32434T>G (NM_001377324.1); c.292-32434T>G (NM_001377325.1); c.310-32434T>G (NM_001377323.1).
Identifiers: ClinVar variation 45474 (VCV000045474.19), dbSNP rs71578938, ClinGen allele CA136386.
Genomic context (GRCh38, chr10:20,845,374, plus strand): 5'-AATCCAGTGATGACCTTCCTTTAATCTCCTTCTCAAAATCCTCTTTGTAAACTTTCTGTT[A>C]AATAAGACCACATAATTTTAAAGTTAGCAAATATCAGTGACCATTGAAAAGAGATTTGAA-3'

ClinVar aggregate classification (germline): Benign. Review status: criteria provided, multiple submitters, no conflicts (2 of 4 stars). 6 submissions from 6 submitters: Benign (5). 1 of the submissions does not count toward it. Last evaluated 2026-02-01.

Conditions:
NEBL-related disorder. Also called: NEBL-related condition.
Primary dilated cardiomyopathy (DCM). Also called: Dilated Cardiomyopathy. Identifiers: Orphanet 217604, MedGen C0007193, MeSH D002311, MONDO:0005021, HP:0001644. Inheritance: Various modes of inheritance.

Allele frequency attached by ClinVar (database versions not stated): gnomAD exomes 0.00084 and 0.00154; ExAC 0.00190; 1000 Genomes Project 0.00459; gnomAD 0.00502 and 0.00538; 1000 Genomes Project 30x 0.00547; TOPMed 0.00549; ESP Exome Variant Server 0.00708.
gnomAD v4.1: 1,924 of 1,469,078 alleles (0.13%); highest among the groups gnomAD compares: African/African-American, 1.7%; 14 homozygotes.

Submissions (6):

Labcorp Genetics (formerly Invitae), Labcorp
Classification: Benign for Primary dilated cardiomyopathy. Last evaluated: 2026-02-01. Review status: criteria provided, single submitter. Criteria: Invitae Variant Classification Sherloc (09022015). Collection method: clinical testing. Allele origin: germline.

Women's Health and Genetics/Laboratory Corporation of America, LabCorp
Classification: Benign. Last evaluated: 2023-04-17. Review status: criteria provided, single submitter. Criteria: LabCorp Variant Classification Summary - May 2015. Collection method: clinical testing. Allele origin: germline.

GeneDx
Classification: Benign. Last evaluated: 2014-03-26. Review status: criteria provided, single submitter. Criteria: GeneDx Variant Classification (06012015). Collection method: clinical testing. Allele origin: germline. Affected: yes.
Comment: This variant is considered likely benign or benign based on one or more of the following criteria: it is a conservative change, it occurs at a poorly conserved position in the protein, it is predicted to be benign by multiple in silico algorithms, and/or has population frequency not consistent with disease.

Laboratory for Molecular Medicine, Mass General Brigham Personalized Medicine
Classification: Benign. Last evaluated: 2012-03-19. Review status: criteria provided, single submitter. Criteria: LMM Criteria. Collection method: clinical testing. Allele origin: germline. Observed: 9 variant alleles.
Comment: c.1117-6T>G in Intron 11 of NEBL: This variant is not expected to have clinical significance because it has been identified in 2.2% (82/3734) of African America n chromosomes from a broad population by the NHLBI Exome Sequencing Project (dbSNP rs71578938).

Breakthrough Genomics
Classification: Benign. Review status: criteria provided, single submitter. Criteria: ACMG Guidelines, 2015. Collection method: not provided. Allele origin: germline. Inheritance: Unknown mechanism. Affected: yes.

PreventionGenetics, part of Exact Sciences
Classification: Benign for NEBL-related condition. Last evaluated: 2019-05-03. Review status: no assertion criteria provided. Collection method: clinical testing. Allele origin: germline. Not counted in ClinVar's aggregate classification.
Comment: This variant is classified as benign based on ACMG/AMP sequence variant interpretation guidelines (Richards et al. 2015 PMID: 25741868, with internal and published modifications).